The following is an entry in ClinVar:

NM_021830.5(TWNK):c.428G>A (p.Ser143Asn)

Gene: TWNK (twinkle mtDNA helicase; plus strand). Cytogenetic location: 10q24.31.
Variant type: single nucleotide variant.
Coding change: c.428G>A on transcript NM_021830.5 (MANE Select); coding-DNA position 428, G replaced by A.
Protein change: p.Ser143Asn; replaces serine 143 with asparagine.
Molecular consequence: missense variant. On other transcripts: non-coding transcript variant (4), intron variant (3).
Genome position (GRCh38, 1-based): chr10:100,988,638, G>A. VCF-style: chr10-100988638-G-A. GRCh37 (hg19) VCF-style: chr10-102748395-G-A.
Other names: c.428G>A, p.Ser143Asn (NM_001163812.2); c.-119-1006G>A (NM_001163814.2, NM_001163813.2); c.-58+1025G>A (NM_001368275.1); short protein forms S143N.
Identifiers: ClinVar variation 2777468 (VCV002777468.3), dbSNP rs2133935679, ClinGen allele CA378207349.

ClinVar aggregate classification (germline): Uncertain significance (1 of 4 stars; one submission).

Submission:

Labcorp Genetics (formerly Invitae), Labcorp
Classification: Uncertain significance. Last evaluated: 2023-09-05. Review status: criteria provided, single submitter. Criteria: Invitae Variant Classification Sherloc (09022015). Collection method: clinical testing. Allele origin: germline.
Comment: In summary, the available evidence is currently insufficient to determine the role of this variant in disease. Therefore, it has been classified as a Variant of Uncertain Significance. Advanced modeling of protein sequence and biophysical properties (such as structural, functional, and spatial information, amino acid conservation, physicochemical variation, residue mobility, and thermodynamic stability) performed at Invitae indicates that this missense variant is not expected to disrupt TWNK protein function. This variant has not been reported in the literature in individuals affected with TWNK-related conditions. This variant is not present in population databases (gnomAD no frequency). This sequence change replaces serine, which is neutral and polar, with asparagine, which is neutral and polar, at codon 143 of the TWNK protein (p.Ser143Asn).